The following is an entry in ClinVar:

ClinVar aggregate classification (germline): Conflicting classifications of pathogenicity. Review status: criteria provided, conflicting classifications (1 of 4 stars). 3 submissions from 3 submitters: Uncertain significance (1); Likely benign (2). Last evaluated 2021-08-05.

Conditions:
Autosomal recessive ataxia, Beauce type. Also called: Spinocerebellar ataxia, autosomal recessive 8; ATAXIA, RECESSIVE, OF BEAUCE; SYNE1-Related Autosomal Recessive Cerebellar Ataxia; SYNE1 Deficiency. Identifiers: Orphanet 88644, MedGen C1853116, MONDO:0012549, OMIM 610743.
Emery-Dreifuss muscular dystrophy 4, autosomal dominant (EDMD4). Also called: EMERY-DREIFUSS MUSCULAR DYSTROPHY 4 WITH VARIABLE FEATURES. Identifiers: Orphanet 261, MedGen C2751807, MONDO:0013071, OMIM 612998.

Allele frequency attached by ClinVar (database versions not stated): TOPMed 0.00003; ESP Exome Variant Server 0.00008.
gnomAD v4.1: 10 of 1,613,910 alleles (0.00062%); highest among the groups gnomAD compares: African/African-American, 0.0013%; no homozygotes.

Submissions (3):

Labcorp Genetics (formerly Invitae), Labcorp
Classification: Likely benign for Emery-Dreifuss muscular dystrophy 4, autosomal dominant; Autosomal recessive ataxia, Beauce type. Last evaluated: 2021-08-05. Review status: criteria provided, single submitter. Criteria: Invitae Variant Classification Sherloc (09022015). Collection method: clinical testing. Allele origin: germline.

GeneDx
Classification: Likely benign. Last evaluated: 2017-03-28. Review status: criteria provided, single submitter. Criteria: GeneDx Variant Classification (06012015). Collection method: clinical testing. Allele origin: germline. Affected: yes.
Comment: This variant is considered likely benign or benign based on one or more of the following criteria: it is a conservative change, it occurs at a poorly conserved position in the protein, it is predicted to be benign by multiple in silico algorithms, and/or has population frequency not consistent with disease.

Eurofins Ntd Llc (ga)
Classification: Uncertain significance. Last evaluated: 2015-10-22. Review status: criteria provided, single submitter. Criteria: EGL Classification Definitions 2015. Collection method: clinical testing. Allele origin: germline. Observed: 2 variant alleles, 2 heterozygotes.

NM_182961.4(SYNE1):c.9375G>C (p.Leu3125=)

Gene: SYNE1 (spectrin repeat containing nuclear envelope protein 1; minus strand). Cytogenetic location: 6q25.2.
Variant type: single nucleotide variant.
Coding change: c.9375G>C on transcript NM_182961.4 (MANE Select); coding-DNA position 9375, G replaced by C.
Protein change: p.Leu3125=; no amino-acid change (leucine 3125 retained).
Molecular consequence: synonymous variant.
Genome position (GRCh38, 1-based): chr6:152,373,169, C>G on the plus strand (G>C on the coding strand, the complement: SYNE1 is on the minus strand). VCF-style: chr6-152373169-C-G. GRCh37 (hg19) VCF-style: chr6-152694304-C-G.
Other names: c.9396G>C, p.Leu3132= (NM_033071.5).
Identifiers: ClinVar variation 284247 (VCV000284247.12), dbSNP rs376622495, ClinGen allele CA10604733.